The following is an entry in ClinVar:

ClinVar aggregate classification (germline): Uncertain significance (1 of 4 stars; one submission).

Conditions:
Primary ciliary dyskinesia. Also called: Ciliary dyskinesia. Identifiers: Orphanet 244, MedGen C0008780, MONDO:0016575, HP:0012265.

gnomAD v4.1: 1 of 1,613,302 alleles (0.000062%); highest among the groups gnomAD compares: East Asian, 0.0022%; no homozygotes.

Submission:

Ambry Genetics
Classification: Uncertain significance for Primary ciliary dyskinesia. Last evaluated: 2025-09-06. Review status: criteria provided, single submitter. Criteria: Ambry Variant Classification Scheme 2023. Collection method: clinical testing. Allele origin: germline.
Comment: The p.N459S variant (also known as c.1376A>G), located in coding exon 12 of the LRRC6 gene, results from an A to G substitution at nucleotide position 1376. The asparagine at codon 459 is replaced by serine, an amino acid with highly similar properties. This amino acid position is conserved. In addition, this alteration is predicted to be tolerated by in silico analysis. Based on the available evidence, the clinical significance of this variant remains unclear.

NM_012472.6(DNAAF11):c.1376A>G (p.Asn459Ser)

Gene: DNAAF11 (dynein axonemal assembly factor 11; minus strand). Cytogenetic location: 8q24.22.
Variant type: single nucleotide variant.
Coding change: c.1376A>G on transcript NM_012472.6 (MANE Select); coding-DNA position 1376, A replaced by G.
Protein change: p.Asn459Ser; replaces asparagine 459 with serine.
Molecular consequence: missense variant. On other transcripts: non-coding transcript variant (10).
Genome position (GRCh38, 1-based): chr8:132,572,331, T>C on the plus strand (A>G on the coding strand, the complement: DNAAF11 is on the minus strand). VCF-style: chr8-132572331-T-C. GRCh37 (hg19) VCF-style: chr8-133584579-T-C.
Other names: c.1316A>G, p.Asn439Ser (NM_001321961.2); c.1130A>G, p.Asn377Ser (NM_001321962.2); c.1016A>G, p.Asn339Ser (NM_001321963.2, NM_001321964.2, NM_001321965.2); c.956A>G, p.Asn319Ser (NM_001321966.2); short protein forms N377S, N459S, N319S, N439S, N339S.
Identifiers: ClinVar variation 4241736 (VCV004241736.1).